The following is an entry in ClinVar:

ClinVar aggregate classification (germline): Uncertain significance. Review status: criteria provided, multiple submitters, no conflicts (2 of 4 stars). 2 submissions from 2 submitters: Uncertain significance (2). Last evaluated 2021-09-24.

Conditions:
Hereditary cancer-predisposing syndrome. Also called: Tumor predisposition; Hereditary neoplastic syndrome; Hereditary Cancer Syndrome; Neoplastic Syndromes, Hereditary. Identifiers: Orphanet 140162, MedGen C0027672, MeSH D009386, MONDO:0015356.
Rhabdoid tumor predisposition syndrome 2 (RTPS2). Identifiers: Orphanet 231108, Orphanet 69077, MedGen C2750074, MONDO:0013224, OMIM 613325.

Allele frequency attached by ClinVar (database versions not stated): TOPMed below 0.00001.

Submissions (2):

Ambry Genetics
Classification: Uncertain significance for Hereditary cancer-predisposing syndrome. Last evaluated: 2021-09-24. Review status: criteria provided, single submitter. Criteria: Ambry Variant Classification Scheme 2023. Collection method: clinical testing. Allele origin: germline.
Comment: The p.T1264A variant (also known as c.3790A>G), located in coding exon 26 of the SMARCA4 gene, results from an A to G substitution at nucleotide position 3790. The threonine at codon 1264 is replaced by alanine, an amino acid with similar properties. This amino acid position is well conserved in available vertebrate species. In addition, this alteration is predicted to be tolerated by in silico analysis. Missense and in-frame variants in SMARCA4 are known to cause neurodevelopmental disorders; however, such associations with rhabdoid tumor predisposition syndrome including small cell carcinoma of the ovary-hypercalcemic type (SCCOHT) are exceedingly rare (Kosho T et al. Am J Med Genet C Semin Med Genet. 2014 Sep;166C(3):262-75; Jelinic P et al. Nat Genet. 2014 May;46(5):424-6). Based on the supporting evidence, the association of this alteration with Coffin-Siris is unknown; however, the association of this alteration with rhabdoid tumor predisposition syndrome syndrome is unlikely.

Labcorp Genetics (formerly Invitae), Labcorp
Classification: Uncertain significance for Rhabdoid tumor predisposition syndrome 2. Last evaluated: 2019-07-03. Review status: criteria provided, single submitter. Criteria: Invitae Variant Classification Sherloc (09022015). Collection method: clinical testing. Allele origin: germline.
Comment: This sequence change replaces threonine with alanine at codon 1264 of the SMARCA4 protein (p.Thr1264Ala). The threonine residue is moderately conserved and there is a small physicochemical difference between threonine and alanine. This variant is not present in population databases (ExAC no frequency). This variant has not been reported in the literature in individuals with SMARCA4-related conditions. Algorithms developed to predict the effect of missense changes on protein structure and function are either unavailable or do not agree on the potential impact of this missense change (SIFT: "Deleterious"; PolyPhen-2: "Benign"; Align-GVGD: "Class C0"). In summary, the available evidence is currently insufficient to determine the role of this variant in disease. Therefore, it has been classified as a Variant of Uncertain Significance.

NM_003072.5(SMARCA4):c.3790A>G (p.Thr1264Ala)

Gene: SMARCA4 (SWI/SNF related BAF chromatin remodeling complex subunit ATPase 4; plus strand). Cytogenetic location: 19p13.2.
Variant type: single nucleotide variant.
Coding change: c.3790A>G on transcript NM_003072.5 (MANE Select); coding-DNA position 3790, A replaced by G.
Protein change: p.Thr1264Ala; replaces threonine 1264 with alanine.
Molecular consequence: missense variant. On other transcripts: intron variant (5).
Genome position (GRCh38, 1-based): chr19:11,033,782, A>G. VCF-style: chr19-11033782-A-G. GRCh37 (hg19) VCF-style: chr19-11144458-A-G.
Other names: c.3790A>G, p.Thr1264Ala (NM_001128844.3, NM_001128849.3); c.3774+265A>G (NM_001128847.4, NM_001374457.1, NM_001128845.2 and 2 more transcripts); short protein forms T1264A.
Identifiers: ClinVar variation 963291 (VCV000963291.12), dbSNP rs2075086877, ClinGen allele CA404066437.